The following is an entry in ClinVar:

NM_003001.5(SDHC):c.173T>A (p.Ile58Asn)

Gene: SDHC (succinate dehydrogenase complex subunit C; plus strand). Cytogenetic location: 1q23.3.
Variant type: single nucleotide variant.
Coding change: c.173T>A on transcript NM_003001.5 (MANE Select); coding-DNA position 173, T replaced by A.
Protein change: p.Ile58Asn; replaces isoleucine 58 with asparagine.
Molecular consequence: missense variant. On other transcripts: non-coding transcript variant (1), intron variant (4).
Genome position (GRCh38, 1-based): chr1:161,328,491, T>A. VCF-style: chr1-161328491-T-A. GRCh37 (hg19) VCF-style: chr1-161298281-T-A.
Other names: c.173T>A, p.Ile58Asn (NM_001035511.3, NM_001407115.1); c.116T>A, p.Ile39Asn (NM_001407116.1, NM_001407117.1, NM_001407121.1); c.62T>A, p.Ile21Asn (NM_001407119.1, NM_001407120.1); c.77+4821T>A (NM_001035512.3, NM_001278172.3, NM_001407118.1); c.21-12103T>A (NM_001035513.3); short protein forms I21N, I39N, I58N.
Identifiers: ClinVar variation 3223026 (VCV003223026.2), dbSNP rs999134407, ClinGen allele CA343361349.

ClinVar aggregate classification (germline): Uncertain significance (1 of 4 stars; one submission).

Conditions:
Hereditary cancer-predisposing syndrome. Also called: Neoplastic Syndromes, Hereditary; Tumor predisposition; Hereditary Cancer Syndrome; Hereditary neoplastic syndrome. Identifiers: Orphanet 140162, MedGen C0027672, MeSH D009386, MONDO:0015356.

Submission:

Ambry Genetics
Classification: Uncertain significance for Hereditary cancer-predisposing syndrome. Last evaluated: 2026-08-17. Review status: criteria provided, single submitter. Criteria: Ambry Variant Classification Scheme 2023. Collection method: clinical testing. Allele origin: germline.
Comment: The p.I58N variant (also known as c.173T>A), located in coding exon 3 of the SDHC gene, results from a T to A substitution at nucleotide position 173. The isoleucine at codon 58 is replaced by asparagine, an amino acid with dissimilar properties. This amino acid position is highly conserved in available vertebrate species. In addition, this alteration is predicted to be deleterious by in silico analysis. Based on the available evidence, the clinical significance of this variant remains unclear.